The following is an entry in ClinVar:

ClinVar aggregate classification (germline): Conflicting classifications of pathogenicity. Review status: criteria provided, conflicting classifications (1 of 4 stars). 3 submissions from 3 submitters: Uncertain significance (1); Likely benign (1). 1 of the submissions does not count toward it. Last evaluated 2024-12-08.

Conditions:
SLC39A8-related disorder. Also called: SLC39A8-related condition.
Inborn genetic diseases. Identifiers: MedGen C0950123, MeSH D030342.

Allele frequency attached by ClinVar (database versions not stated): gnomAD 0.00004; ExAC 0.00005; TOPMed 0.00006; gnomAD exomes 0.00012; ESP Exome Variant Server 0.00015.
gnomAD v4.1: 183 of 1,606,134 alleles (0.011%); highest among the groups gnomAD compares: Non-Finnish European, 0.015%; no homozygotes.

Submissions (3):

Labcorp Genetics (formerly Invitae), Labcorp
Classification: Likely benign. Last evaluated: 2024-12-08. Review status: criteria provided, single submitter. Criteria: Invitae Variant Classification Sherloc (09022015). Collection method: clinical testing. Allele origin: germline.

Ambry Genetics
Classification: Uncertain significance for Inborn genetic diseases. Last evaluated: 2021-12-06. Review status: criteria provided, single submitter. Criteria: Ambry Variant Classification Scheme 2023. Collection method: clinical testing. Allele origin: germline.
Comment: The c.676-4A>G intronic alteration consists of a A to G substitution 4 nucleotides before exon 5 (coding exon 5) of the SLC39A8 gene. In silico splice site analysis predicts that this alteration will not have any significant effect on splicing. Based on insufficient or conflicting evidence, the clinical significance of this alteration remains unclear.

PreventionGenetics, part of Exact Sciences
Classification: Likely benign for SLC39A8-related condition. Last evaluated: 2019-12-09. Review status: no assertion criteria provided. Collection method: clinical testing. Allele origin: germline. Not counted in ClinVar's aggregate classification.
Comment: This variant is classified as likely benign based on ACMG/AMP sequence variant interpretation guidelines (Richards et al. 2015 PMID: 25741868, with internal and published modifications).

NM_001135146.2(SLC39A8):c.676-4A>G

Gene: SLC39A8 (solute carrier family 39 member 8; minus strand). Cytogenetic location: 4q24.
Variant type: single nucleotide variant.
Coding change: c.676-4A>G on transcript NM_001135146.2 (MANE Select); 4 bases into the intron before coding-DNA position 676, A replaced by G.
Molecular consequence: intron variant.
Genome position (GRCh38, 1-based): chr4:102,304,485, T>C on the plus strand (A>G on the coding strand, the complement: SLC39A8 is on the minus strand). VCF-style: chr4-102304485-T-C. GRCh37 (hg19) VCF-style: chr4-103225642-T-C.
Other names: c.676-4A>G (NM_001135147.1, NM_022154.5); c.475-4A>G (NM_001135148.2).
Identifiers: ClinVar variation 2223788 (VCV002223788.7), dbSNP rs376910589, ClinGen allele CA3025596.